The following is an entry in ClinVar:

NM_001302084.2(TOP6BL):c.1422C>T (p.His474=)

Genes: TOP6BL (TOP6B like initiator of meiotic double strand breaks; plus strand), LOC130006139 (ATAC-STARR-seq lymphoblastoid silent region 3603; plus strand). Cytogenetic location: 11q13.2.
Variant type: single nucleotide variant.
Coding change: c.1422C>T on transcript NM_001302084.2 (MANE Select); coding-DNA position 1422, C replaced by T.
Protein change: p.His474=; no amino-acid change (histidine 474 retained).
Molecular consequence: synonymous variant.
Genome position (GRCh38, 1-based): chr11:66,843,021, C>T. VCF-style: chr11-66843021-C-T. GRCh37 (hg19) VCF-style: chr11-66610492-C-T.
Other names: c.1773C>T, p.His591= (NM_024650.4).
Identifiers: ClinVar variation 3044828 (VCV003044828.3), dbSNP rs369989753, ClinGen allele CA6130257.

ClinVar aggregate classification (germline): Likely benign. Review status: criteria provided, single submitter (1 of 4 stars). 2 submissions from 2 submitters: Likely benign (1). 1 of the submissions does not count toward it. Last evaluated 2024-11-14.

Conditions:
TOP6BL-related disorder. Also called: TOP6BL-related condition.

Allele frequency attached by ClinVar (database versions not stated): ExAC 0.00064; ESP Exome Variant Server 0.00134; gnomAD 0.00163; TOPMed 0.00187; 1000 Genomes Project 0.00260.
gnomAD v4.1: 478 of 1,553,728 alleles (0.031%); highest among the groups gnomAD compares: African/African-American, 0.56%; no homozygotes.

Submissions (2):

Blueprint Genetics
Classification: Likely benign. Last evaluated: 2024-11-14. Review status: criteria provided, single submitter. Criteria: ACMG Guidelines, 2015. Collection method: clinical testing. Allele origin: germline.

PreventionGenetics, part of Exact Sciences
Classification: Likely benign for TOP6BL-related condition. Last evaluated: 2019-03-19. Review status: no assertion criteria provided. Collection method: clinical testing. Allele origin: germline. Not counted in ClinVar's aggregate classification.
Comment: This variant is classified as likely benign based on ACMG/AMP sequence variant interpretation guidelines (Richards et al. 2015 PMID: 25741868, with internal and published modifications).